The following is an entry in ClinVar:

ClinVar aggregate classification (germline): Uncertain significance. Review status: criteria provided, multiple submitters, no conflicts (2 of 4 stars). 2 submissions from 2 submitters: Uncertain significance (2). Last evaluated 2023-10-06.

Conditions:
Hereditary cancer-predisposing syndrome. Also called: Hereditary neoplastic syndrome; Neoplastic Syndromes, Hereditary; Tumor predisposition; Hereditary Cancer Syndrome. Identifiers: Orphanet 140162, MedGen C0027672, MeSH D009386, MONDO:0015356.
DICER1-related tumor predisposition. Also called: DICER1-related pleuropulmonary blastoma cancer predisposition syndrome; DICER1 syndrome. Identifiers: Orphanet 284343, MedGen C3839822, MONDO:0100216.

Submissions (2):

Labcorp Genetics (formerly Invitae), Labcorp
Classification: Uncertain significance for DICER1-related tumor predisposition. Last evaluated: 2023-10-06. Review status: criteria provided, single submitter. Criteria: Invitae Variant Classification Sherloc (09022015). Collection method: clinical testing. Allele origin: germline.
Comment: This sequence change replaces threonine, which is neutral and polar, with alanine, which is neutral and non-polar, at codon 847 of the DICER1 protein (p.Thr847Ala). This variant is not present in population databases (gnomAD no frequency). This variant has not been reported in the literature in individuals affected with DICER1-related conditions. ClinVar contains an entry for this variant (Variation ID: 412147). Advanced modeling of protein sequence and biophysical properties (such as structural, functional, and spatial information, amino acid conservation, physicochemical variation, residue mobility, and thermodynamic stability) performed at Invitae indicates that this missense variant is not expected to disrupt DICER1 protein function. In summary, the available evidence is currently insufficient to determine the role of this variant in disease. Therefore, it has been classified as a Variant of Uncertain Significance.

Ambry Genetics
Classification: Uncertain significance for Hereditary cancer-predisposing syndrome. Last evaluated: 2023-08-07. Review status: criteria provided, single submitter. Criteria: Ambry Variant Classification Scheme 2023. Collection method: clinical testing. Allele origin: germline.
Comment: The p.T847A variant (also known as c.2539A>G), located in coding exon 15 of the DICER1 gene, results from an A to G substitution at nucleotide position 2539. The threonine at codon 847 is replaced by alanine, an amino acid with similar properties. This amino acid position is highly conserved in available vertebrate species. In addition, this alteration is predicted to be deleterious by in silico analysis. Since supporting evidence is limited at this time, the clinical significance of this alteration remains unclear.

NM_177438.3(DICER1):c.2539A>G (p.Thr847Ala)

Gene: DICER1 (dicer 1, ribonuclease III; minus strand). Cytogenetic location: 14q32.13.
Variant type: single nucleotide variant.
Coding change: c.2539A>G on transcript NM_177438.3 (MANE Select); coding-DNA position 2539, A replaced by G.
Protein change: p.Thr847Ala; replaces threonine 847 with alanine.
Molecular consequence: missense variant.
Genome position (GRCh38, 1-based): chr14:95,107,991, T>C on the plus strand (A>G on the coding strand, the complement: DICER1 is on the minus strand). VCF-style: chr14-95107991-T-C. GRCh37 (hg19) VCF-style: chr14-95574328-T-C.
Other names: c.2539A>G, p.Thr847Ala (NM_001195573.1, NM_001271282.3, NM_001291628.2 and 1 more transcripts); short protein forms T847A.
Identifiers: ClinVar variation 412147 (VCV000412147.12), dbSNP rs1060503641, ClinGen allele CA16614525.